The following is an entry in ClinVar:

NM_001003800.2(BICD2):c.641G>T (p.Arg214Leu)

Gene: BICD2 (BICD cargo adaptor 2; minus strand). Cytogenetic location: 9q22.31.
Variant type: single nucleotide variant.
Coding change: c.641G>T on transcript NM_001003800.2 (MANE Select); coding-DNA position 641, G replaced by T.
Protein change: p.Arg214Leu; replaces arginine 214 with leucine.
Molecular consequence: missense variant.
Genome position (GRCh38, 1-based): chr9:92,720,721, C>A on the plus strand (G>T on the coding strand, the complement: BICD2 is on the minus strand). VCF-style: chr9-92720721-C-A. GRCh37 (hg19) VCF-style: chr9-95483003-C-A.
Other names: c.641G>T, p.Arg214Leu (NM_015250.4); short protein forms R214L.
Identifiers: ClinVar variation 4782107 (VCV004782107.1).

ClinVar aggregate classification (germline): Uncertain significance (1 of 4 stars; one submission).

Conditions:
Autosomal dominant childhood-onset proximal spinal muscular atrophy with contractures (SMALED2A). Also called: SPINAL MUSCULAR ATROPHY, LOWER EXTREMITY-PREDOMINANT, 2A, CHILDHOOD ONSET, AUTOSOMAL DOMINANT; Spinal muscular atrophy, lower extremity-predominant, 2A, autosomal dominant. Identifiers: Orphanet 363447, Orphanet 363454, MedGen C4747715, MONDO:0014121, OMIM 615290.

gnomAD v4.1: 1 of 1,614,118 alleles (0.000062%); highest among the groups gnomAD compares: Non-Finnish European, 0.000085%; no homozygotes.

Submission:

Labcorp Genetics (formerly Invitae), Labcorp
Classification: Uncertain significance for Autosomal dominant childhood-onset proximal spinal muscular atrophy with contractures. Last evaluated: 2025-08-29. Review status: criteria provided, single submitter. Criteria: Invitae Variant Classification Sherloc (09022015). Collection method: clinical testing. Allele origin: germline.
Comment: This sequence change replaces arginine, which is basic and polar, with leucine, which is neutral and non-polar, at codon 214 of the BICD2 protein (p.Arg214Leu). This variant is not present in population databases (gnomAD no frequency). This variant has not been reported in the literature in individuals affected with BICD2-related conditions. Invitae Evidence Modeling of protein sequence and biophysical properties (such as structural, functional, and spatial information, amino acid conservation, physicochemical variation, residue mobility, and thermodynamic stability) indicates that this missense variant is not expected to disrupt BICD2 protein function with a negative predictive value of 80%. In summary, the available evidence is currently insufficient to determine the role of this variant in disease. Therefore, it has been classified as a Variant of Uncertain Significance.